The following is an entry in ClinVar:

ClinVar aggregate classification (germline): Likely benign. Review status: criteria provided, multiple submitters, no conflicts (2 of 4 stars). 4 submissions from 4 submitters: Likely benign (3). 1 of the submissions does not count toward it. Last evaluated 2025-12-16.

Conditions:
Deficiency of alpha-mannosidase (MANSA). Also called: LYSOSOMAL ALPHA-D-MANNOSIDASE DEFICIENCY; Mannosidosis, alpha-, types I and II; Alpha-Mannosidosis. Identifiers: Orphanet 61, MedGen C0024748, MONDO:0009561, OMIM 248500.

Allele frequency attached by ClinVar (database versions not stated): TOPMed 0.00006; gnomAD 0.00007 and 0.00008; gnomAD exomes 0.00011; ExAC 0.00058.
gnomAD v4.1: 152 of 1,548,454 alleles (0.0098%); highest among the groups gnomAD compares: Middle Eastern, 0.019%; no homozygotes.

Submissions (4):

Labcorp Genetics (formerly Invitae), Labcorp
Classification: Likely benign for Deficiency of alpha-mannosidase. Last evaluated: 2025-12-16. Review status: criteria provided, single submitter. Criteria: Invitae Variant Classification Sherloc (09022015). Collection method: clinical testing. Allele origin: germline.

Blueprint Genetics
Classification: Likely benign. Last evaluated: 2024-09-06. Review status: criteria provided, single submitter. Criteria: ACMG Guidelines, 2015. Collection method: clinical testing. Allele origin: germline.

CeGaT Center for Human Genetics Tuebingen
Classification: Likely benign. Last evaluated: 2022-11-01. Review status: criteria provided, single submitter. Criteria: CeGaT Center For Human Genetics Tuebingen Variant Classification Criteria Version 2. Collection method: clinical testing. Allele origin: germline. Affected: yes. Observed: 1 variant allele.
Comment: MAN2B1: BP4, BP7

Natera, Inc.
Classification: Likely benign for Alpha-mannosidosis. Last evaluated: 2021-04-16. Review status: no assertion criteria provided. Collection method: clinical testing. Allele origin: germline. Not counted in ClinVar's aggregate classification.

NM_000528.4(MAN2B1):c.2640T>C (p.Asn880=)

Gene: MAN2B1 (mannosidase alpha class 2B member 1; minus strand). Cytogenetic location: 19p13.13.
Variant type: single nucleotide variant.
Coding change: c.2640T>C on transcript NM_000528.4 (MANE Select); coding-DNA position 2640, T replaced by C.
Protein change: p.Asn880=; no amino-acid change (asparagine 880 retained).
Molecular consequence: synonymous variant.
Genome position (GRCh38, 1-based): chr19:12,648,199, A>G on the plus strand (T>C on the coding strand, the complement: MAN2B1 is on the minus strand). VCF-style: chr19-12648199-A-G. GRCh37 (hg19) VCF-style: chr19-12759013-A-G.
Other names: c.2637T>C, p.Asn879= (NM_001173498.2).
Identifiers: ClinVar variation 737857 (VCV000737857.39), dbSNP rs763786776, ClinGen allele CA9225970.